The following is an entry in ClinVar:

ClinVar aggregate classification (germline): Uncertain significance (1 of 4 stars; one submission).

Conditions:
Bloom syndrome (BLM). Also called: Bloom-Torre-Machacek syndrome. Identifiers: Orphanet 125, MedGen C0005859, MONDO:0008876, OMIM 210900.

Submission:

Labcorp Genetics (formerly Invitae), Labcorp
Classification: Uncertain significance for Bloom syndrome. Last evaluated: 2022-10-18. Review status: criteria provided, single submitter. Criteria: Invitae Variant Classification Sherloc (09022015). Collection method: clinical testing. Allele origin: germline.
Comment: This sequence change falls in intron 12 of the BLM gene. It does not directly change the encoded amino acid sequence of the BLM protein. This variant is not present in population databases (gnomAD no frequency). This variant has not been reported in the literature in individuals affected with BLM-related conditions. ClinVar contains an entry for this variant (Variation ID: 662014). Algorithms developed to predict the effect of sequence changes on RNA splicing suggest that this variant may disrupt the consensus splice site. In summary, the available evidence is currently insufficient to determine the role of this variant in disease. Therefore, it has been classified as a Variant of Uncertain Significance.

NM_000057.4(BLM):c.2556-8T>A

Gene: BLM (BLM RecQ like helicase; plus strand). Cytogenetic location: 15q26.1.
Variant type: single nucleotide variant.
Coding change: c.2556-8T>A on transcript NM_000057.4 (MANE Select); 8 bases into the intron before coding-DNA position 2556, T replaced by A.
Molecular consequence: intron variant.
Genome position (GRCh38, 1-based): chr15:90,782,814, T>A. VCF-style: chr15-90782814-T-A. GRCh37 (hg19) VCF-style: chr15-91326044-T-A.
Other names: c.2556-8T>A (NM_001287246.2, NM_001287247.2); c.1431-8T>A (NM_001287248.2).
Identifiers: ClinVar variation 662014 (VCV000662014.9), dbSNP rs1567052156, ClinGen allele CA915946133.
Genomic context (GRCh38, chr15:90,782,814, plus strand): 5'-AGTCTATAACAATACCTAAAGTCATATTTTCTCATAATAACTAAATTTTATGTTTGGGAC[T>A]TTTTTAGGTTTAGCATGAGCTTTAACAGACATAATCTGAAATACTATGTATTACCGAAAA-3'